The following is an entry in ClinVar:

NM_206937.2(LIG4):c.1708T>C (p.Tyr570His)

Gene: LIG4 (DNA ligase 4; minus strand). Cytogenetic location: 13q33.3.
Variant type: single nucleotide variant.
Coding change: c.1708T>C on transcript NM_206937.2 (MANE Select); coding-DNA position 1708, T replaced by C.
Protein change: p.Tyr570His; replaces tyrosine 570 with histidine.
Molecular consequence: missense variant.
Genome position (GRCh38, 1-based): chr13:108,209,561, A>G on the plus strand (T>C on the coding strand, the complement: LIG4 is on the minus strand). VCF-style: chr13-108209561-A-G. GRCh37 (hg19) VCF-style: chr13-108861909-A-G.
Other names: c.1708T>C, p.Tyr570His (NM_001098268.2, NM_001352598.2, NM_001352599.2 and 6 more transcripts); c.1507T>C, p.Tyr503His (NM_001330595.2); c.1744T>C, p.Tyr582His (NM_001352604.2); short protein forms Y503H, Y582H, Y570H.
Identifiers: ClinVar variation 1519572 (VCV001519572.8), dbSNP rs2138971865, ClinGen allele CA388616367.

ClinVar aggregate classification (germline): Uncertain significance (1 of 4 stars; one submission).

Conditions:
DNA ligase IV deficiency. Identifiers: Orphanet 99812, MedGen C1847827, MONDO:0011686, OMIM 606593.

Submission:

Labcorp Genetics (formerly Invitae), Labcorp
Classification: Uncertain significance for DNA ligase IV deficiency. Last evaluated: 2021-01-29. Review status: criteria provided, single submitter. Criteria: Invitae Variant Classification Sherloc (09022015). Collection method: clinical testing. Allele origin: germline.
Comment: In summary, the available evidence is currently insufficient to determine the role of this variant in disease. Therefore, it has been classified as a Variant of Uncertain Significance. Algorithms developed to predict the effect of missense changes on protein structure and function are either unavailable or do not agree on the potential impact of this missense change (SIFT: "Deleterious"; PolyPhen-2: "Probably Damaging"; Align-GVGD: "Class C0"). This variant has not been reported in the literature in individuals with LIG4-related conditions. This variant is not present in population databases (ExAC no frequency). This sequence change replaces tyrosine with histidine at codon 570 of the LIG4 protein (p.Tyr570His). The tyrosine residue is highly conserved and there is a moderate physicochemical difference between tyrosine and histidine.